The following is an entry in ClinVar:

ClinVar aggregate classification (germline): Uncertain significance (1 of 4 stars; one submission).

Conditions:
TAF15-related disorder. Also called: TAF15-related condition.

Allele frequency attached by ClinVar (database versions not stated): ExAC 0.00006; TOPMed 0.00008; gnomAD 0.00012; gnomAD exomes 0.00012; ESP Exome Variant Server 0.00015.
gnomAD v4.1: 206 of 1,605,750 alleles (0.013%); highest among the groups gnomAD compares: Non-Finnish European, 0.016%; no homozygotes.

Submission:

PreventionGenetics, part of Exact Sciences
Classification: Uncertain significance for TAF15-related condition. Last evaluated: 2023-08-07. Review status: criteria provided, single submitter. Criteria: ACMG Guidelines, 2015. Collection method: clinical testing. Allele origin: germline.
Comment: The TAF15 c.1222C>T variant is predicted to result in the amino acid substitution p.Arg408Cys. In vitro studies showed the p.Arg408Cys change enhanced protein aggregation and caused neurodegeneration when expressed in a drosophila model (Couthouis et al 2011. PubMed ID: 22065782). This variant is reported in 0.014% of alleles in individuals of European (Non-Finnish) descent in gnomAD. At this time, the clinical significance of this variant is uncertain due to the absence of conclusive functional and genetic evidence.

NM_139215.3(TAF15):c.1222C>T (p.Arg408Cys)

Gene: TAF15 (TATA-box binding protein associated factor 15; plus strand). Cytogenetic location: 17q12.
Variant type: single nucleotide variant.
Coding change: c.1222C>T on transcript NM_139215.3 (MANE Select); coding-DNA position 1222, C replaced by T.
Protein change: p.Arg408Cys; replaces arginine 408 with cysteine.
Molecular consequence: missense variant.
Genome position (GRCh38, 1-based): chr17:35,844,521, C>T. VCF-style: chr17-35844521-C-T. GRCh37 (hg19) VCF-style: chr17-34171525-C-T.
Other names: c.1213C>T, p.Arg405Cys (NM_003487.4); short protein forms R405C, R408C.
Identifiers: ClinVar variation 2629197 (VCV002629197.1), dbSNP rs200175347, ClinGen allele CA290041127.